The following is an entry in ClinVar:

NM_002474.3(MYH11):c.3669C>T (p.Asp1223=)

Gene: MYH11 (myosin heavy chain 11; minus strand). Cytogenetic location: 16p13.11.
Variant type: single nucleotide variant.
Coding change: c.3669C>T on transcript NM_002474.3 (MANE Select); coding-DNA position 3669, C replaced by T.
Protein change: p.Asp1223=; no amino-acid change (aspartic acid 1223 retained).
Molecular consequence: synonymous variant.
Genome position (GRCh38, 1-based): chr16:15,727,037, G>A on the plus strand (C>T on the coding strand, the complement: MYH11 is on the minus strand). VCF-style: chr16-15727037-G-A. GRCh37 (hg19) VCF-style: chr16-15820894-G-A.
Other names: c.3690C>T, p.Asp1230= (NM_001040113.2, NM_001040114.2); c.3669C>T, p.Asp1223= (NM_022844.3).
Identifiers: ClinVar variation 382353 (VCV000382353.21), dbSNP rs111940956, ClinGen allele CA7921923.

ClinVar aggregate classification (germline): Benign/Likely benign. Review status: criteria provided, multiple submitters, no conflicts (2 of 4 stars). 8 submissions from 8 submitters: Benign (3); Likely benign (5). Last evaluated 2025-10-08.

Conditions:
MYH11-related disorder. Also called: MYH11-related condition.
Familial thoracic aortic aneurysm and aortic dissection (TAAD). Also called: Thoracic aortic aneurysms and dissections. Identifiers: Orphanet 91387, MedGen C4707243, MONDO:0019625.
Aortic aneurysm, familial thoracic 4 (AAT4). Also called: AORTIC ANEURYSM/AORTIC DISSECTION AND PATENT DUCTUS ARTERIOSUS. Identifiers: MedGen C1851504, MONDO:0007568, OMIM 132900.

Allele frequency attached by ClinVar (database versions not stated): gnomAD 0.00032; 1000 Genomes Project 30x 0.00016; 1000 Genomes Project 0.00020; ESP Exome Variant Server 0.00031.
gnomAD v4.1: 78 of 1,611,750 alleles (0.0048%); highest among the groups gnomAD compares: African/African-American, 0.087%; no homozygotes.

Submissions (8):

Labcorp Genetics (formerly Invitae), Labcorp
Classification: Likely benign for Aortic aneurysm, familial thoracic 4. Last evaluated: 2025-10-08. Review status: criteria provided, single submitter. Criteria: Invitae Variant Classification Sherloc (09022015). Collection method: clinical testing. Allele origin: germline.

PreventionGenetics, part of Exact Sciences
Classification: Likely benign for MYH11-related condition. Last evaluated: 2024-12-28. Review status: criteria provided, single submitter. Criteria: ACMG Guidelines, 2015. Collection method: clinical testing. Allele origin: germline.
Comment: This variant is classified as likely benign based on ACMG/AMP sequence variant interpretation guidelines (Richards et al. 2015 PMID: 25741868, with internal and published modifications).

All of Us Research Program, National Institutes of Health
Classification: Benign for Familial thoracic aortic aneurysm and aortic dissection. Last evaluated: 2023-12-18. Review status: criteria provided, single submitter. Criteria: ACMG Guidelines, 2015. Collection method: clinical testing. Allele origin: germline. Inheritance: Autosomal dominant inheritance. Observed: 21 variant alleles, 21 heterozygotes.
Comment: This study involves interpretation of variants in research participants for the purpose of population health screening. Participant phenotype was not available at the time of variant classification. Additional details can be found in publication PMID: 35346344, PMCID: PMC8962531

Blueprint Genetics
Classification: Likely benign. Last evaluated: 2023-10-30. Review status: criteria provided, single submitter. Criteria: ACMG Guidelines, 2015. Collection method: clinical testing. Allele origin: germline.

Women's Health and Genetics/Laboratory Corporation of America, LabCorp
Classification: Benign. Last evaluated: 2020-09-06. Review status: criteria provided, single submitter. Criteria: LabCorp Variant Classification Summary - May 2015. Collection method: clinical testing. Allele origin: germline.

Color Diagnostics, LLC DBA Color Health
Classification: Benign for Familial thoracic aortic aneurysm and aortic dissection. Last evaluated: 2019-06-26. Review status: criteria provided, single submitter. Criteria: ACMG Guidelines, 2015. Collection method: clinical testing. Allele origin: germline.

GeneDx
Classification: Likely benign. Last evaluated: 2015-12-17. Review status: criteria provided, single submitter. Criteria: GeneDx Variant Classification (06012015). Collection method: clinical testing. Allele origin: germline. Affected: yes.
Comment: This variant is considered likely benign or benign based on one or more of the following criteria: it is a conservative change, it occurs at a poorly conserved position in the protein, it is predicted to be benign by multiple in silico algorithms, and/or has population frequency not consistent with disease.

Ambry Genetics
Classification: Likely benign for Familial thoracic aortic aneurysm and aortic dissection. Last evaluated: 2015-09-22. Review status: criteria provided, single submitter. Criteria: Ambry Variant Classification Scheme 2023. Collection method: clinical testing. Allele origin: germline.